The following is an entry in ClinVar:

ClinVar aggregate classification (germline): Uncertain significance (1 of 4 stars; one submission).

Conditions:
Familial hypobetalipoproteinemia 1. Also called: APOB-Related Familial Hypobetalipoproteinemia; Hypobetalipoproteinemia, normotriglyceridemic; Acanthocytosis with hypobetalipoproteinemia. Identifiers: MedGen C4551990, MONDO:0014252, OMIM 615558.
Hypercholesterolemia, autosomal dominant, type B (FHCL2). Also called: Familial Hypercholesterolemia Type B; APOLIPOPROTEIN B-100, FAMILIAL DEFECTIVE; APOLIPOPROTEIN B-100, FAMILIAL LIGAND-DEFECTIVE; HYPERCHOLESTEROLEMIA, FAMILIAL, DUE TO LIGAND-DEFECTIVE APOLIPOPROTEIN B; Hyperlipoproteinemia Type IIb; Familial hypercholesterolemia 2. Identifiers: MedGen C1704417, MONDO:0007751, OMIM 144010.

Submission:

Labcorp Genetics (formerly Invitae), Labcorp
Classification: Uncertain significance for Familial hypobetalipoproteinemia 1; Hypercholesterolemia, autosomal dominant, type B. Last evaluated: 2025-01-01. Review status: criteria provided, single submitter. Criteria: Invitae Variant Classification Sherloc (09022015). Collection method: clinical testing. Allele origin: germline.
Comment: This sequence change replaces alanine, which is neutral and non-polar, with proline, which is neutral and non-polar, at codon 3215 of the APOB protein (p.Ala3215Pro). This variant is not present in population databases (gnomAD no frequency). This variant has not been reported in the literature in individuals affected with APOB-related conditions. Invitae Evidence Modeling of protein sequence and biophysical properties (such as structural, functional, and spatial information, amino acid conservation, physicochemical variation, residue mobility, and thermodynamic stability) indicates that this missense variant is not expected to disrupt APOB protein function with a negative predictive value of 95%. In summary, the available evidence is currently insufficient to determine the role of this variant in disease. Therefore, it has been classified as a Variant of Uncertain Significance.

NM_000384.3(APOB):c.9643G>C (p.Ala3215Pro)

Gene: APOB (apolipoprotein B; minus strand). Cytogenetic location: 2p24.1.
Variant type: single nucleotide variant.
Coding change: c.9643G>C on transcript NM_000384.3 (MANE Select); coding-DNA position 9643, G replaced by C.
Protein change: p.Ala3215Pro; replaces alanine 3215 with proline.
Molecular consequence: missense variant.
Genome position (GRCh38, 1-based): chr2:21,007,225, C>G on the plus strand (G>C on the coding strand, the complement: APOB is on the minus strand). VCF-style: chr2-21007225-C-G. GRCh37 (hg19) VCF-style: chr2-21230097-C-G.
Other names: short protein forms A3215P.
Identifiers: ClinVar variation 3753597 (VCV003753597.2).
Genomic context (GRCh38, chr2:21,007,225, plus strand): 5'-CTTTGTACTTATCAAACTTAATTTTTGTTTCATTATAGGATTTGGTGACAAAATCTAATG[C>G]ATTGTTTCTGTTTTTTTCAAAATGCCTGTCAAAGGATTTGATGCTCTGACTGATAAACTC-3'
Protein context (NP_000375.3, residues 3205-3225): DRHFEKNRNN[Ala3215Pro]LDFVTKSYNE